The following is an entry in ClinVar:

NC_000012.11:g.(?_133248795)_(133257871_?)dup

Gene: POLE (DNA polymerase epsilon, catalytic subunit; minus strand). Cytogenetic location: 12q24.33.
Variant type: Duplication.
Identifiers: ClinVar variation 1054368 (VCV001054368.6).

ClinVar aggregate classification (germline): Likely pathogenic (1 of 4 stars; one submission).

Submission:

Labcorp Genetics (formerly Invitae), Labcorp
Classification: Likely pathogenic. Last evaluated: 2022-05-27. Review status: criteria provided, single submitter. Criteria: Invitae Variant Classification Sherloc (09022015). Collection method: clinical testing. Allele origin: germline.
Comment: This variant has not been reported in the literature in individuals affected with POLE-related conditions. In summary, the currently available evidence indicates that the variant is pathogenic, but additional data are needed to prove that conclusively. Therefore, this variant has been classified as Likely Pathogenic. This variant results in a copy number gain of the genomic region encompassing exon(s) 2-16 of the POLE gene. While the exact position of this variant cannot be determined from the data, sub-genic copy number gains are generally in tandem (PMID: 25640679). This variant is predicted to be out-of-frame, and may result in an absent or disrupted protein product. Loss-of-function variants in POLE are known to be pathogenic (PMID: 23230001, 25948378, 30503519).

Literature cited by the submitters: PubMed 25640679; PubMed 23230001; PubMed 25948378; PubMed 30503519.